The following is an entry in ClinVar:

ClinVar aggregate classification (germline): Uncertain significance (1 of 4 stars; one submission).

Conditions:
Hereditary pancreatitis (PCTT). Also called: PRSS1-Related Hereditary Pancreatitis; Hereditary chronic pancreatitis. Identifiers: Orphanet 676, MedGen C0238339, MONDO:0008185, OMIM 167800.

Submission:

Labcorp Genetics (formerly Invitae), Labcorp
Classification: Uncertain significance for Hereditary pancreatitis. Last evaluated: 2023-05-24. Review status: criteria provided, single submitter. Criteria: Invitae Variant Classification Sherloc (09022015). Collection method: clinical testing. Allele origin: germline.
Comment: In summary, the available evidence is currently insufficient to determine the role of this variant in disease. Therefore, it has been classified as a Variant of Uncertain Significance. This variant has not been reported in the literature in individuals affected with CTRC-related conditions. This variant is not present in population databases (gnomAD no frequency). This sequence change creates a premature translational stop signal (p.Glu92Trpfs*43) in the CTRC gene. It is expected to result in an absent or disrupted protein product. However, the current clinical and genetic evidence is not sufficient to establish whether loss-of-function variants in CTRC cause disease.

NM_007272.3(CTRC):c.272_273dup (p.Glu92fs)

Gene: CTRC (chymotrypsin C; plus strand). Cytogenetic location: 1p36.21.
Variant type: Duplication.
Coding change: c.272_273dup on transcript NM_007272.3 (MANE Select); coding-DNA positions 272 to 273, 2 bases duplicated (TG; older notation c.272_273dupTG).
Protein change: p.Glu92fs; shifts the reading frame from glutamic acid 92.
Molecular consequence: frameshift variant.
Genome position (GRCh38, 1-based): chr1:15,442,488-15,442,489, TG duplicated. VCF-style (leftmost placement, unchanged base first): chr1-15442487-C-CTG. GRCh37 (hg19) VCF-style: chr1-15768983-C-CTG.
Other names: short protein forms E92fs.
Identifiers: ClinVar variation 3019624 (VCV003019624.3), dbSNP rs2526294405, ClinGen allele CA2740090599.